The following is an entry in ClinVar:

ClinVar aggregate classification (germline): Likely benign. Review status: criteria provided, multiple submitters, no conflicts (2 of 4 stars). 3 submissions from 3 submitters: Likely benign (3). Last evaluated 2026-04-14.

Conditions:
Low phospholipid associated cholelithiasis (GBD1). Also called: Gallstone cholecystitis; Gallbladder disease 1. Identifiers: Orphanet 69663, MedGen C2609268, MONDO:0010939, OMIM 600803.
Familial intrahepatic cholestasis. Identifiers: Orphanet 284385, MedGen CN296401, MONDO:0017290.

Allele frequency attached by ClinVar (database versions not stated): 1000 Genomes Project 30x 0.00344; 1000 Genomes Project 0.00399; TOPMed 0.00443; ESP Exome Variant Server 0.00600; gnomAD 0.00756 and 0.00781; ExAC 0.00791; gnomAD exomes 0.00828 and 0.00840.
gnomAD v4.1: 13,292 of 1,612,886 alleles (0.82%); highest among the groups gnomAD compares: Non-Finnish European, 0.79%; 103 homozygotes.

Submissions (3):

Genomenon, Inc
Classification: Likely benign for Familial intrahepatic cholestasis; Low phospholipid associated cholelithiasis. Last evaluated: 2026-04-14. Review status: criteria provided, single submitter. Criteria: Genomenon Sequence Variant Interpretation Standards - Updated. Collection method: curation. Allele origin: germline. Affected: no.
Comment: ABCB4 c.1732-39A>G is an intronic variant located in intron 14. This variant has been reported in the published literature (PMID:19467940). This intronic variant is not predicted to impact splicing. In conclusion, we classify ABCB4 c.1732-39A>G as a likely benign variant.

GeneDx
Classification: Likely benign. Last evaluated: 2021-02-26. Review status: criteria provided, single submitter. Criteria: GeneDx Variant Classification Process June 2021. Collection method: clinical testing. Allele origin: germline. Affected: yes.

Breakthrough Genomics
Classification: Likely benign. Review status: criteria provided, single submitter. Criteria: ACMG Guidelines, 2015. Collection method: not provided. Allele origin: germline. Inheritance: Autosomal recessive inheritance. Affected: yes.

Literature cited by the submitters: PubMed 19467940 (cited by Genomenon, Inc).

NM_000443.4(ABCB4):c.1732-39A>G

Gene: ABCB4 (ATP binding cassette subfamily B member 4; minus strand). Cytogenetic location: 7q21.12.
Variant type: single nucleotide variant.
Coding change: c.1732-39A>G on transcript NM_000443.4 (MANE Select); 39 bases into the intron before coding-DNA position 1732, A replaced by G.
Molecular consequence: intron variant.
Genome position (GRCh38, 1-based): chr7:87,431,604, T>C on the plus strand (A>G on the coding strand, the complement: ABCB4 is on the minus strand). VCF-style: chr7-87431604-T-C. GRCh37 (hg19) VCF-style: chr7-87060920-T-C.
Other names: c.1732-39A>G (NM_018850.3, NM_018849.3).
Identifiers: ClinVar variation 1254448 (VCV001254448.4), dbSNP rs141424866, ClinGen allele CA4327225.